The following is an entry in ClinVar:

ClinVar aggregate classification (germline): Pathogenic (1 of 4 stars; one submission).

Conditions:
Birt-Hogg-Dube syndrome. Also called: Birt Hogg Dubé syndrome. Identifiers: Orphanet 122, MedGen C0346010, MONDO:0800444.

Submission:

Labcorp Genetics (formerly Invitae), Labcorp
Classification: Pathogenic for Birt-Hogg-Dube syndrome. Last evaluated: 2017-11-29. Review status: criteria provided, single submitter. Criteria: Invitae Variant Classification Sherloc (09022015). Collection method: clinical testing. Allele origin: germline.
Comment: This sequence change creates a premature translational stop signal (p.Gly453Valfs*27) in the FLCN gene. It is expected to result in an absent or disrupted protein product. This variant is not present in population databases (ExAC no frequency). This variant has not been reported in the literature in individuals with FLCN-related disease. Loss-of-function variants in FLCN are known to be pathogenic (PMID: 15852235). For these reasons, this variant has been classified as Pathogenic.

Literature cited by the submitters: PubMed 15852235.

NM_144997.7(FLCN):c.1358_1374del (p.Gly453fs)

Gene: FLCN (folliculin; minus strand). Cytogenetic location: 17p11.2.
Variant type: Deletion.
Coding change: c.1358_1374del on transcript NM_144997.7 (MANE Select); coding-DNA positions 1358 to 1374, 17 bases deleted (GGTGTGAGGATGACCAG).
Protein change: p.Gly453fs; shifts the reading frame from glycine 453.
Molecular consequence: frameshift variant.
Genome position (GRCh38, 1-based): chr17:17,215,243-17,215,259, CTGGTCATCCTCACACC deleted on the plus strand (GGTGTGAGGATGACCAG on the coding strand, the reverse complement: FLCN is on the minus strand); deleting any 17 consecutive bases within chr17:17,215,243-17,215,260 gives the same sequence; the c. name uses the placement nearest the transcript's 3' end. VCF-style (leftmost placement, unchanged base first): chr17-17215242-ACTGGTCATCCTCACACC-A. GRCh37 (hg19) VCF-style: chr17-17118556-ACTGGTCATCCTCACACC-A.
Other names: c.1358_1374del (LRG_325t1); c.1412_1428del, p.Gly471fs (NM_001353229.2); c.1358_1374del, p.Gly453fs (NM_001353230.2, NM_001353231.2); short protein forms G453fs, G471fs.
Identifiers: ClinVar variation 529992 (VCV000529992.6), dbSNP rs1555607179, ClinGen allele CA658798732.